The following is an entry in ClinVar:

ClinVar aggregate classification (germline): Uncertain significance (1 of 4 stars; one submission).

Submission:

Labcorp Genetics (formerly Invitae), Labcorp
Classification: Uncertain significance. Last evaluated: 2025-04-02. Review status: criteria provided, single submitter. Criteria: Invitae Variant Classification Sherloc (09022015). Collection method: clinical testing. Allele origin: germline.
Comment: This sequence change replaces arginine, which is basic and polar, with proline, which is neutral and non-polar, at codon 1144 of the LRPPRC protein (p.Arg1144Pro). This variant is not present in population databases (gnomAD no frequency). This variant has not been reported in the literature in individuals affected with LRPPRC-related conditions. Invitae Evidence Modeling of protein sequence and biophysical properties (such as structural, functional, and spatial information, amino acid conservation, physicochemical variation, residue mobility, and thermodynamic stability) indicates that this missense variant is not expected to disrupt LRPPRC protein function with a negative predictive value of 80%. In summary, the available evidence is currently insufficient to determine the role of this variant in disease. Therefore, it has been classified as a Variant of Uncertain Significance.

NM_133259.4(LRPPRC):c.3431G>C (p.Arg1144Pro)

Gene: LRPPRC (leucine rich pentatricopeptide repeat containing; minus strand). Cytogenetic location: 2p21.
Variant type: single nucleotide variant.
Coding change: c.3431G>C on transcript NM_133259.4 (MANE Select); coding-DNA position 3431, G replaced by C.
Protein change: p.Arg1144Pro; replaces arginine 1144 with proline.
Molecular consequence: missense variant.
Genome position (GRCh38, 1-based): chr2:43,901,458, C>G on the plus strand (G>C on the coding strand, the complement: LRPPRC is on the minus strand). VCF-style: chr2-43901458-C-G. GRCh37 (hg19) VCF-style: chr2-44128597-C-G.
Other names: short protein forms R1144P.
Identifiers: ClinVar variation 4738371 (VCV004738371.1).